The following is an entry in ClinVar:

NM_000388.4(CASR):c.1366G>T (p.Glu456Ter)

Gene: CASR (calcium sensing receptor; plus strand). Cytogenetic location: 3q21.1.
Variant type: single nucleotide variant.
Coding change: c.1366G>T on transcript NM_000388.4 (MANE Select); coding-DNA position 1366, G replaced by T.
Protein change: p.Glu456Ter; replaces glutamic acid 456 with a stop codon.
Molecular consequence: nonsense.
Genome position (GRCh38, 1-based): chr3:122,262,401, G>T. VCF-style: chr3-122262401-G-T. GRCh37 (hg19) VCF-style: chr3-121981248-G-T.
Other names: c.1366G>T, p.Glu456Ter (NM_001178065.2); short protein forms E456*.
Identifiers: ClinVar variation 3345844 (VCV003345844.1).

ClinVar aggregate classification (germline): Likely pathogenic (0 of 4 stars; one submission).

Conditions:
CASR-related disorder. Also called: CASR-related condition.

Submission:

PreventionGenetics, part of Exact Sciences
Classification: Likely pathogenic for CASR-related condition. Last evaluated: 2024-06-10. Review status: no assertion criteria provided. Collection method: clinical testing. Allele origin: germline.
Comment: The CASR c.1366G>T variant is predicted to result in premature protein termination (p.Glu456*). To our knowledge, this variant has not been reported in the literature or in a large population database, indicating this variant is rare. Nonsense variants in CASR are expected to be pathogenic. This variant is interpreted as likely pathogenic.